The following is an entry in ClinVar:

NM_022841.7(RFX7):c.1031T>G (p.Leu344Arg)

Gene: RFX7 (regulatory factor X7; minus strand). Cytogenetic location: 15q21.3.
Variant type: single nucleotide variant.
Coding change: c.1031T>G on transcript NM_022841.7 (MANE Select); coding-DNA position 1031, T replaced by G.
Protein change: p.Leu344Arg; replaces leucine 344 with arginine.
Molecular consequence: missense variant.
Genome position (GRCh38, 1-based): chr15:56,098,157, A>C on the plus strand (T>G on the coding strand, the complement: RFX7 is on the minus strand). VCF-style: chr15-56098157-A-C. GRCh37 (hg19) VCF-style: chr15-56390355-A-C.
Other names: p.Leu344Arg; c.740T>G, p.Leu247Arg (NM_001368073.2, NM_001368074.1, NM_001370554.1); c.1031T>G, p.Leu344Arg (NM_001370561.1); short protein forms L247R, L344R.
Identifiers: ClinVar variation 4796012 (VCV004796012.1).

ClinVar aggregate classification (germline): Uncertain significance (1 of 4 stars; one submission).

Conditions:
Intellectual developmental disorder, autosomal dominant 71, with behavioral abnormalities (MRD71). Identifiers: MedGen C5830437, MONDO:0957228, OMIM 620330.

gnomAD v4.1: 5 of 1,613,934 alleles (0.00031%); highest among the groups gnomAD compares: South Asian, 0.0033%; no homozygotes.

Submission:

Foundation for Research in Genetics and Endocrinology, FRIGE's Institute of Human Genetics
Classification: Uncertain significance for Intellectual developmental disorder, autosomal dominant 71, with behavioral abnormalities. Last evaluated: 2026-02-10. Review status: criteria provided, single submitter. Criteria: ACMG Guidelines, 2015. Collection method: clinical testing. Allele origin: germline. Inheritance: Autosomal dominant inheritance. Affected: yes. Observed: 1 heterozygote.
Comment: A heterozygous missense variant in exon 9 of the RFX7 gene that results in the amino acid substitution of Arginine for Leucine at codon 344 (p.Leu344Arg) was detected. The variant has not been reported in the 1000 genomes, gnomAD (v2.1) and topmed databases and has a minor allele frequency of 0.001% in the gnomAD (v3.1) databases respectively. The in silico predictions of the variant are possibly damaging by PolyPhen-2 and damaging by SIFT, LRT and CONDEL. The reference codon is conserved across species.